The following is an entry in ClinVar:

ClinVar aggregate classification (germline): Uncertain significance (1 of 4 stars; one submission).

Conditions:
Progressive sclerosing poliodystrophy (MTDPS4A). Also called: Mitochondrial DNA depletion syndrome 4A (Alpers type); Mitochondrial DNA Depletion Syndrome 4A; Alpers Syndrome; ALPERS DIFFUSE DEGENERATION OF CEREBRAL GRAY MATTER WITH HEPATIC CIRRHOSIS; Alpers-Huttenlocher Syndrome; ALPERS PROGRESSIVE INFANTILE POLIODYSTROPHY. Identifiers: Orphanet 726, MedGen C0205710, MONDO:0008758, OMIM 203700.

Submission:

Labcorp Genetics (formerly Invitae), Labcorp
Classification: Uncertain significance for Progressive sclerosing poliodystrophy. Last evaluated: 2018-05-30. Review status: criteria provided, single submitter. Criteria: Invitae Variant Classification Sherloc (09022015). Collection method: clinical testing. Allele origin: germline.
Comment: Algorithms developed to predict the effect of missense changes on protein structure and function are either unavailable or do not agree on the potential impact of this missense change (SIFT: "Deleterious"; PolyPhen-2: "Probably Damaging"; Align-GVGD: "Class C0"). In summary, the available evidence is currently insufficient to determine the role of this variant in disease. Therefore, it has been classified as a Variant of Uncertain Significance. This sequence change replaces glutamine with leucine at codon 1154 of the POLG protein (p.Gln1154Leu). The glutamine residue is highly conserved and there is a moderate physicochemical difference between glutamine and leucine. This variant has not been reported in the literature in individuals with POLG-related disease. This variant is not present in population databases (ExAC no frequency).

NM_002693.3(POLG):c.3461A>T (p.Gln1154Leu)

Gene: POLG (DNA polymerase gamma, catalytic subunit; minus strand). Cytogenetic location: 15q26.1.
Variant type: single nucleotide variant.
Coding change: c.3461A>T on transcript NM_002693.3 (MANE Select); coding-DNA position 3461, A replaced by T.
Protein change: p.Gln1154Leu; replaces glutamine 1154 with leucine.
Molecular consequence: missense variant.
Genome position (GRCh38, 1-based): chr15:89,318,562, T>A on the plus strand (A>T on the coding strand, the complement: POLG is on the minus strand). VCF-style: chr15-89318562-T-A. GRCh37 (hg19) VCF-style: chr15-89861793-T-A.
Other names: c.3461A>T, p.Gln1154Leu (NM_001126131.2); short protein forms Q1154L.
Identifiers: ClinVar variation 575558 (VCV000575558.9), dbSNP rs1567185010, ClinGen allele CA393749685.